The following is an entry in ClinVar:

NM_053025.4(MYLK):c.4668G>T (p.Glu1556Asp)

Gene: MYLK (myosin light chain kinase; minus strand). Cytogenetic location: 3q21.1.
Variant type: single nucleotide variant.
Coding change: c.4668G>T on transcript NM_053025.4 (MANE Select); coding-DNA position 4668, G replaced by T.
Protein change: p.Glu1556Asp; replaces glutamic acid 1556 with aspartic acid.
Molecular consequence: missense variant.
Genome position (GRCh38, 1-based): chr3:123,640,456, C>A on the plus strand (G>T on the coding strand, the complement: MYLK is on the minus strand). VCF-style: chr3-123640456-C-A. GRCh37 (hg19) VCF-style: chr3-123359303-C-A.
Other names: c.4140G>T, p.Glu1380Asp (NM_001321309.2); c.4461G>T, p.Glu1487Asp (NM_053026.4, NM_053028.4); c.4668G>T, p.Glu1556Asp (NM_053027.4); short protein forms E1556D, E1380D, E1487D.
Identifiers: ClinVar variation 2858216 (VCV002858216.3), dbSNP rs2058793084, ClinGen allele CA354226225.

ClinVar aggregate classification (germline): Uncertain significance (1 of 4 stars; one submission).

Conditions:
Aortic aneurysm, familial thoracic 7 (AAT7). Also called: AORTIC DISSECTION, FAMILIAL, WITH OR WITHOUT AORTIC ANEURYSM. Identifiers: MedGen C3151077, MONDO:0013418, OMIM 613780.

Allele frequency attached by ClinVar (database versions not stated): gnomAD exomes below 0.00001; gnomAD 0.00001.

Submission:

Labcorp Genetics (formerly Invitae), Labcorp
Classification: Uncertain significance for Aortic aneurysm, familial thoracic 7. Last evaluated: 2023-04-22. Review status: criteria provided, single submitter. Criteria: Invitae Variant Classification Sherloc (09022015). Collection method: clinical testing. Allele origin: germline.
Comment: In summary, the available evidence is currently insufficient to determine the role of this variant in disease. Therefore, it has been classified as a Variant of Uncertain Significance. Advanced modeling of protein sequence and biophysical properties (such as structural, functional, and spatial information, amino acid conservation, physicochemical variation, residue mobility, and thermodynamic stability) has been performed at Invitae for this missense variant, however the output from this modeling did not meet the statistical confidence thresholds required to predict the impact of this variant on MYLK protein function. This variant has not been reported in the literature in individuals affected with MYLK-related conditions. This variant is not present in population databases (gnomAD no frequency). This sequence change replaces glutamic acid, which is acidic and polar, with aspartic acid, which is acidic and polar, at codon 1556 of the MYLK protein (p.Glu1556Asp).